The following continues an entry in ClinVar:

NM_000152.5(GAA):c.1942G>A (p.Gly648Ser)

Gene: GAA. ClinVar aggregate classification (germline): Pathogenic. Pathogenic (1).

Submissions 9 to 12 of 12:

Broad Center for Mendelian Genomics, Broad Institute of MIT and Harvard
Classification: Pathogenic for Glycogen storage disease, type II. Last evaluated: 2020-01-22. Review status: criteria provided, single submitter. Criteria: ACMG Guidelines, 2015. Collection method: curation. Allele origin: germline. Inheritance: Autosomal recessive inheritance. Not counted in ClinVar's aggregate classification.
Comment: The p.Gly648Ser variant in GAA has been reported in 15 individuals with Glycogen Storage Disease II (PMID: 29637184, 17573812, 26497565, 17643989, 25455803, 9535769), and has also been reported pathogenic by Invitae and likely pathogenic by Counsyl in ClinVar (Variation ID: 188902). This variant has been identified in 0.034% (10/29720) of South Asian chromosomes in gnomAD chromosomes in gnomAD by the Genome Aggregation Database (gnomAD; dbSNP rs536906561). Although this variant has been seen in the general population, its frequency is low enough to be consistent with a recessive carrier frequency. In vitro functional studies provide some evidence that the p.Gly648Ser variant may impact GAA activity (PMID: 9535769). However, these types of assays may not accurately represent biological function. Computational prediction tools and conservation analyses suggest that this variant may impact the protein, though this information is not predictive enough to determine pathogenicity. The presence of this variant in the homozygous state and in combination with pathogenic variants, and in individuals with Glycogen Storage Disease II increases the likelihood that the p.Gly648Ser variant is pathogenic (PMID: 29637184, 17573812, 26497565, 17643989, 25455803, 9535769). Individuals with this variant in the homozygous and heterozygous state and a phenotype highly specific for disease based on assays of GAA activity in relevant tissue (PMID: 29637184, 17573812, 26497565, 9535769). One additional likely pathogenic variant resulting in a different amino acid change at the same position, p.Gly648Asp, has been reported in association with disease in the literature, slightly supporting that a change at this position may not be tolerated (PMID: 22644586). In summary, this variant meets criteria to be classified as pathogenic for Glycogen Storage Disease II in an autosomal recessive manner based on in vitro functional studies and multiple occurrences with pathogenic variants in individuals with Glycogen Storage Disease II. ACMG/AMP Criteria applied: PM3_Strong, PS3, PM2, PM5_Supporting, PP3, PP4 (Richards 2015).

Women's Health and Genetics/Laboratory Corporation of America, LabCorp
Classification: Pathogenic for Glycogen storage disease, type II. Last evaluated: 2019-01-07. Review status: criteria provided, single submitter. Criteria: LabCorp Variant Classification Summary - May 2015. Collection method: clinical testing. Allele origin: germline. Not counted in ClinVar's aggregate classification.
Comment: Variant summary: GAA c.1942G>A (p.Gly648Ser) results in a non-conservative amino acid change in the Glycoside hydrolase superfamily (IPR017853) of the encoded protein sequence. Five of five in-silico tools predict a damaging effect of the variant on protein function. The variant allele was found at a frequency of 5.5e-05 in 237998 control chromosomes (gnomAD). This frequency is not significantly higher than expected for a pathogenic variant in GAA causing Glycogen Storage Disease, Type 2 (Pompe Disease) (5.5e-05 vs 0.0042), allowing no conclusion about variant significance. c.1942G>A has been reported in the literature in multiple individuals affected with adult onset and infantile onset Glycogen Storage Disease, Type 2 (Pompe Disease)(Huie_1998, Elenga_2018). A patient diagnosed with adult onset Pompe Disease was observed to have <10% enzyme activity in vivo. A ClinVar submission from a clinical diagnostic laboratory (evaluation after 2014) cite the variant as pathogenic. Based on the evidence outlined above, the variant was classified as pathogenic.

Arcensus
Classification: Pathogenic for Glycogen storage disease, type II. Last evaluated: 2013-02-01. Review status: criteria provided, single submitter. Criteria: ACMG Guidelines, 2015. Collection method: clinical testing. Allele origin: germline. Affected: yes. Not counted in ClinVar's aggregate classification.

Counsyl
Classification: Likely pathogenic for Glycogen storage disease, type II. Last evaluated: 2014-07-24. Review status: no assertion criteria provided. Collection method: literature only. Allele origin: unknown. Inheritance: Autosomal recessive inheritance. Not counted in ClinVar's aggregate classification.

Literature cited by the submitters: PubMed 38313679 (cited by Genomenon, Inc); PubMed 35833019 (cited by Genomenon, Inc); PubMed 35477515 (cited by Genomenon, Inc); PubMed 34079727 (cited by Genomenon, Inc); PubMed 34072668 (cited by Genomenon, Inc); PubMed 33741225 (cited by Genomenon, Inc); PubMed 33301762 (cited by Genomenon, Inc); PubMed 31606152 (cited by Genomenon, Inc); PubMed 31545528 (cited by Genomenon, Inc); PubMed 31510962 (cited by Genomenon, Inc); PubMed 9535769 (cited by 5 submitters); PubMed 19862843 (cited by 3 submitters); PubMed 26497565 (cited by Natera, Inc. and Broad Center for Mendelian Genomics, Broad Institute of MIT and Harvard); PubMed 29422078 (cited by Natera, Inc.); PubMed 17643989 (cited by 4 submitters); PubMed 26575883 (cited by Labcorp Genetics (formerly Invitae), Labcorp); PubMed 22644586 (cited by Labcorp Genetics (formerly Invitae), Labcorp); PubMed 23146291 (cited by Labcorp Genetics (formerly Invitae), Labcorp); PubMed 18429042 (cited by Institute of Medical Genetics and Genomics, Sir Ganga Ram Hospital); PubMed 29637184 (cited by Broad Center for Mendelian Genomics, Broad Institute of MIT and Harvard and Women's Health and Genetics/Laboratory Corporation of America, LabCorp); PubMed 25455803 (cited by Broad Center for Mendelian Genomics, Broad Institute of MIT and Harvard); PubMed 17573812 (cited by Counsyl); PubMed 16478160 (cited by Counsyl).